The following is an entry in ClinVar:

ClinVar aggregate classification (germline): Pathogenic (1 of 4 stars; one submission).

Submission:

Genetic Services Laboratory, University of Chicago
Classification: Pathogenic. Last evaluated: 2019-02-28. Review status: criteria provided, single submitter. Criteria: ACMG Guidelines, 2015. Collection method: clinical testing. Allele origin: germline. Affected: yes.
Comment: DNA sequence analysis of the NF1 gene demonstrated a 2 base pair deletion and 2 base pair insertion in exon 8, c.843_844delinsTT. This pathogenic sequence change results in a nonsense mutation, p.Gln282*. This pathogenic sequence change is predicted to result in an abnormal transcript, which may be degraded, or may lead to the production of a truncated NF1 protein with potentially abnormal function. A different nucleotide change leading to the same nonsense mutation (c.844C>T, p.Gln282*) has been previously reported in a parent and two children with neurofibromatosis (PMID: 8834249).

NM_001042492.3(NF1):c.843_844delinsTT (p.Gln282Ter)

Gene: NF1 (neurofibromin 1; plus strand). Cytogenetic location: 17q11.2.
Variant type: Indel.
Coding change: c.843_844delinsTT on transcript NM_001042492.3 (MANE Select); coding-DNA positions 843 to 844, CC replaced by TT.
Protein change: p.Gln282Ter; replaces glutamine 282 with a stop codon.
Molecular consequence: nonsense.
Genome position (GRCh38, 1-based): chr17:31,182,620-31,182,621, CC replaced by TT. VCF-style: chr17-31182620-CC-TT. GRCh37 (hg19) VCF-style: chr17-29509638-CC-TT.
Other names: c.843_844delinsTT, p.Gln282Ter (NM_001128147.3); c.843_844delCCinsTT, p.Gln282Ter (NM_000267.4); short protein forms Q282*.
Identifiers: ClinVar variation 1338495 (VCV001338495.4), dbSNP rs2143786391, ClinGen allele CA2573054371.